The following is an entry in ClinVar:

ClinVar aggregate classification (germline): Uncertain significance. Review status: criteria provided, multiple submitters, no conflicts (2 of 4 stars). 3 submissions from 3 submitters: Uncertain significance (3). Last evaluated 2025-10-09.

Conditions:
Inborn genetic diseases. Identifiers: MedGen C0950123, MeSH D030342.
PCNT-related disorder. Also called: PCNT-related condition.

Allele frequency attached by ClinVar (database versions not stated): gnomAD exomes 0.00001; TOPMed 0.00001; ExAC 0.00002; gnomAD 0.00002; 1000 Genomes Project 30x 0.00016; 1000 Genomes Project 0.00020.
gnomAD v4.1: 15 of 1,611,916 alleles (0.00093%); highest among the groups gnomAD compares: South Asian, 0.0077%; no homozygotes.

Submissions (3):

PreventionGenetics, part of Exact Sciences
Classification: Uncertain significance for PCNT-related condition. Last evaluated: 2025-10-09. Review status: criteria provided, single submitter. Criteria: ACMG Guidelines, 2015. Collection method: clinical testing. Allele origin: germline.
Comment: The PCNT c.2521C>T variant is predicted to result in the amino acid substitution p.Arg841Trp. To our knowledge, this variant has not been reported in the literature. This variant is reported in 0.016% of alleles in individuals of South Asian descent in gnomAD. At this time, the clinical significance of this variant is uncertain due to the absence of conclusive functional and genetic evidence.

Ambry Genetics
Classification: Uncertain significance for Inborn genetic diseases. Last evaluated: 2025-09-05. Review status: criteria provided, single submitter. Criteria: Ambry Variant Classification Scheme 2023. Collection method: clinical testing. Allele origin: germline.

Labcorp Genetics (formerly Invitae), Labcorp
Classification: Uncertain significance. Last evaluated: 2022-03-01. Review status: criteria provided, single submitter. Criteria: Invitae Variant Classification Sherloc (09022015). Collection method: clinical testing. Allele origin: germline.
Comment: This sequence change replaces arginine, which is basic and polar, with tryptophan, which is neutral and slightly polar, at codon 841 of the PCNT protein (p.Arg841Trp). This variant is present in population databases (rs578233518, gnomAD 0.02%). This variant has not been reported in the literature in individuals affected with PCNT-related conditions. Algorithms developed to predict the effect of missense changes on protein structure and function are either unavailable or do not agree on the potential impact of this missense change (SIFT: "Deleterious"; PolyPhen-2: "Possibly Damaging"; Align-GVGD: "Class C0"). In summary, the available evidence is currently insufficient to determine the role of this variant in disease. Therefore, it has been classified as a Variant of Uncertain Significance.

NM_006031.6(PCNT):c.2521C>T (p.Arg841Trp)

Gene: PCNT (pericentrin; plus strand). Cytogenetic location: 21q22.3.
Variant type: single nucleotide variant.
Coding change: c.2521C>T on transcript NM_006031.6 (MANE Select); coding-DNA position 2521, C replaced by T.
Protein change: p.Arg841Trp; replaces arginine 841 with tryptophan.
Molecular consequence: missense variant.
Genome position (GRCh38, 1-based): chr21:46,363,846, C>T. VCF-style: chr21-46363846-C-T. GRCh37 (hg19) VCF-style: chr21-47783761-C-T.
Other names: c.2521C>T (NM_006031.5); c.2167C>T, p.Arg723Trp (NM_001315529.2); short protein forms R723W, R841W.
Identifiers: ClinVar variation 1965200 (VCV001965200.4), dbSNP rs578233518, ClinGen allele CA10078994.
Genomic context (GRCh38, chr21:46,363,846, plus strand): 5'-CTGCAGCAGCTGGAACAGGACCTCACTTCAGACGACGCCCTGCATTGCAGCCAGTGTGGG[C>T]GGGAGCCGCCCACAGCCCAGGACGGGGAGCTTGCTGCGCTCCACGTGAAGGAAGACTGCG-3'
Protein context (NP_006022.3, residues 831-851): DDALHCSQCG[Arg841Trp]EPPTAQDGEL